The following is an entry in ClinVar:

ClinVar aggregate classification (germline): Uncertain significance. Review status: no assertion criteria provided (0 of 4 stars). 2 submissions from 1 submitter: Uncertain significance (1). 1 of the submissions does not count toward it.

Submissions (2):

Richard Lifton Laboratory, Yale University School of Medicine
Classification: Uncertain significance. Review status: no assertion criteria provided. Collection method: not provided. Allele origin: somatic.
Comment: PEX1:p.E1215D
ClinVar note: Converted during submission from unknown to Uncertain significance.

Richard Lifton Laboratory, Yale University School of Medicine
Classification: Uncertain significance. Review status: flagged submission. Collection method: not provided. Allele origin: somatic. Not counted in ClinVar's aggregate classification.
ClinVar note: Converted during submission from unknown to Uncertain significance.
ClinVar note: Reason: This record appears to be redundant with a more recent record from the same submitter.
ClinVar note: Notes: SCV000120033 appears to be redundant with SCV000155136.

NM_000466.3(PEX1):c.3645A>T (p.Glu1215Asp)

Genes: GATAD1 (GATA zinc finger domain containing 1; plus strand), PEX1 (peroxisomal biogenesis factor 1; minus strand). Cytogenetic location: 7q21.2.
Variant type: single nucleotide variant.
Coding change: c.3645A>T on transcript NM_000466.3 (MANE Select); coding-DNA position 3645, A replaced by T.
Protein change: p.Glu1215Asp; replaces glutamic acid 1215 with aspartic acid.
Molecular consequence: missense variant.
Genome position (GRCh38, 1-based): chr7:92,489,415, T>A on the plus strand (A>T on the coding strand, the complement: PEX1 is on the minus strand). VCF-style: chr7-92489415-T-A. GRCh37 (hg19) VCF-style: chr7-92118729-T-A.
Other names: c.3474A>T, p.Glu1158Asp (NM_001282677.2); c.3021A>T, p.Glu1007Asp (NM_001282678.2); short protein forms E1215D, E1158D, E1007D.
Identifiers: ClinVar variation 100813 (VCV000100813.2), dbSNP rs483352694, ClinGen allele CA229009.